The following is an entry in ClinVar:

ClinVar aggregate classification (germline): Uncertain significance. Review status: criteria provided, multiple submitters, no conflicts (2 of 4 stars). 2 submissions from 2 submitters: Uncertain significance (2). Last evaluated 2024-12-10.

Allele frequency attached by ClinVar (database versions not stated): gnomAD exomes below 0.00001.
gnomAD v4.1: 2 of 1,540,888 alleles (0.00013%); highest among the groups gnomAD compares: Non-Finnish European, 0.00017%; no homozygotes.

Submissions (2):

GeneDx
Classification: Uncertain significance. Last evaluated: 2024-12-10. Review status: criteria provided, single submitter. Criteria: GeneDx Variant Classification Process June 2021. Collection method: clinical testing. Allele origin: germline. Affected: yes.
Comment: Not observed at significant frequency in large population cohorts (gnomAD); In silico analysis indicates that this missense variant does not alter protein structure/function; Has not been previously published as pathogenic or benign to our knowledge

Labcorp Genetics (formerly Invitae), Labcorp
Classification: Uncertain significance. Last evaluated: 2024-01-19. Review status: criteria provided, single submitter. Criteria: Invitae Variant Classification Sherloc (09022015). Collection method: clinical testing. Allele origin: germline.
Comment: This sequence change replaces serine, which is neutral and polar, with asparagine, which is neutral and polar, at codon 916 of the OTOG protein (p.Ser916Asn). This variant is not present in population databases (gnomAD no frequency). This variant has not been reported in the literature in individuals affected with OTOG-related conditions. ClinVar contains an entry for this variant (Variation ID: 1346410). An algorithm developed to predict the effect of missense changes on protein structure and function (PolyPhen-2) suggests that this variant is likely to be disruptive. In summary, the available evidence is currently insufficient to determine the role of this variant in disease. Therefore, it has been classified as a Variant of Uncertain Significance.

NM_001292063.2(OTOG):c.2711G>A (p.Ser904Asn)

Gene: OTOG (otogelin; plus strand). Cytogenetic location: 11p15.1.
Variant type: single nucleotide variant.
Coding change: c.2711G>A on transcript NM_001292063.2 (MANE Select); coding-DNA position 2711, G replaced by A.
Protein change: p.Ser904Asn; replaces serine 904 with asparagine.
Molecular consequence: missense variant.
Genome position (GRCh38, 1-based): chr11:17,578,478, G>A. VCF-style: chr11-17578478-G-A. GRCh37 (hg19) VCF-style: chr11-17600025-G-A.
Other names: c.2747G>A, p.Ser916Asn (NM_001277269.2); c.2747G>A (NM_001277269.1); short protein forms S904N, S916N.
Identifiers: ClinVar variation 1346410 (VCV001346410.7), dbSNP rs2134036310, ClinGen allele CA379776159.
Genomic context (GRCh38, chr11:17,578,478, plus strand): 5'-TGCACACGGACCTGGAGCTGAGCAGGGAGAGGACGTGTGAGCAGCAACTGCTGAACCTGA[G>A]CGTGTCAGCCCGTGGCCCCTGCCTCTCGGGCTGCGCCTGTCCCCAGGGGTAAGTACCCAT-3'
Protein context (NP_001278992.1, residues 894-914): RTCEQQLLNL[Ser904Asn]VSARGPCLSG